The following is an entry in ClinVar:

ClinVar aggregate classification (germline): Uncertain significance (1 of 4 stars; one submission).

Conditions:
Cardiovascular phenotype. Identifiers: MedGen CN230736.

Allele frequency attached by ClinVar (database versions not stated): TOPMed below 0.00001; gnomAD 0.00001; 1000 Genomes Project 30x 0.00016; 1000 Genomes Project 0.00020.
gnomAD v4.1: 5 of 1,614,118 alleles (0.00031%); highest among the groups gnomAD compares: African/African-American, 0.004%; no homozygotes.

Submission:

Ambry Genetics
Classification: Uncertain significance for Cardiovascular phenotype. Last evaluated: 2023-12-12. Review status: criteria provided, single submitter. Criteria: Ambry Variant Classification Scheme 2023. Collection method: clinical testing. Allele origin: germline.
Comment: The p.V3477A variant (also known as c.10430T>C), located in coding exon 26 of the APOB gene, results from a T to C substitution at nucleotide position 10430. The valine at codon 3477 is replaced by alanine, an amino acid with similar properties. This amino acid position is conserved. In addition, this alteration is predicted to be tolerated by in silico analysis. Since supporting evidence is limited at this time, the clinical significance of this alteration remains unclear.

NM_000384.3(APOB):c.10430T>C (p.Val3477Ala)

Gene: APOB (apolipoprotein B; minus strand). Cytogenetic location: 2p24.1.
Variant type: single nucleotide variant.
Coding change: c.10430T>C on transcript NM_000384.3 (MANE Select); coding-DNA position 10430, T replaced by C.
Protein change: p.Val3477Ala; replaces valine 3477 with alanine.
Molecular consequence: missense variant.
Genome position (GRCh38, 1-based): chr2:21,006,438, A>G on the plus strand (T>C on the coding strand, the complement: APOB is on the minus strand). VCF-style: chr2-21006438-A-G. GRCh37 (hg19) VCF-style: chr2-21229310-A-G.
Other names: short protein forms V3477A.
Identifiers: ClinVar variation 3231351 (VCV003231351.1), dbSNP rs190114930, ClinGen allele CA43495763.
Genomic context (GRCh38, chr2:21,006,438, plus strand): 5'-TTGGTAGATGACTCAATGGAAAAGTAAGAGGTGAGGCTTTCCAAGCTAAGCTTGTGGTCA[A>G]CTGCTCCTTTAGCGGTAGAGTACAGCATTGAAGAATTGAAATCATACTTAAATTCCATGG-3'
Protein context (NP_000375.3, residues 3467-3487): SMLYSTAKGA[Val3477Ala]DHKLSLESLT